The following is an entry in ClinVar:

NM_005529.7(HSPG2):c.2869A>C (p.Asn957His)

Gene: HSPG2 (heparan sulfate proteoglycan 2; minus strand). Cytogenetic location: 1p36.12.
Variant type: single nucleotide variant.
Coding change: c.2869A>C on transcript NM_005529.7 (MANE Select); coding-DNA position 2869, A replaced by C.
Protein change: p.Asn957His; replaces asparagine 957 with histidine.
Molecular consequence: missense variant.
Genome position (GRCh38, 1-based): chr1:21,876,363, T>G on the plus strand (A>C on the coding strand, the complement: HSPG2 is on the minus strand). VCF-style: chr1-21876363-T-G. GRCh37 (hg19) VCF-style: chr1-22202856-T-G.
Other names: c.2872A>C, p.Asn958His (NM_001291860.2); short protein forms N957H, N958H.
Identifiers: ClinVar variation 235713 (VCV000235713.36), dbSNP rs62618730, ClinGen allele CA672827.

ClinVar aggregate classification (germline): Benign. Review status: criteria provided, multiple submitters, no conflicts (2 of 4 stars). 10 submissions from 9 submitters: Benign (10). Last evaluated 2026-01-23.

Conditions:
Connective tissue disorder. Also called: Connective tissue disease. Identifiers: MedGen C0009782, MONDO:0003900.
Lethal Kniest-like syndrome (DDSH). Also called: Dyssegmental Dysplasia. Identifiers: Orphanet 1865, MedGen C1857100, MONDO:0009140, OMIM 224410.
Schwartz-Jampel syndrome type 1 (SJS1). Also called: MYOTONIC MYOPATHY, DWARFISM, CHONDRODYSTROPHY, AND OCULAR AND FACIAL ABNORMALITIES; CHONDRODYSTROPHIC MYOTONIA. Identifiers: MedGen C4551479, MONDO:0100435, OMIM 255800.
Schwartz-Jampel syndrome. Also called: Myotonic myopathy dwarfism chondrodystrophy and ocular and facial abnormalities. Identifiers: Orphanet 800, MedGen C0036391, MONDO:0009717.

Allele frequency attached by ClinVar (database versions not stated): gnomAD exomes 0.00168 and 0.00429; ExAC 0.00577; 1000 Genomes Project 0.01498; gnomAD 0.01503 and 0.01621; 1000 Genomes Project 30x 0.01515; TOPMed 0.01801; ESP Exome Variant Server 0.02007.
gnomAD v4.1: 4,896 of 1,613,118 alleles (0.3%); highest among the groups gnomAD compares: African/African-American, 5.3%; 112 homozygotes.

Submissions (10):

Labcorp Genetics (formerly Invitae), Labcorp
Classification: Benign. Last evaluated: 2026-01-23. Review status: criteria provided, single submitter. Criteria: Invitae Variant Classification Sherloc (09022015). Collection method: clinical testing. Allele origin: germline.

ARUP Laboratories, Molecular Genetics and Genomics, ARUP Laboratories
Classification: Benign. Last evaluated: 2025-04-10. Review status: criteria provided, single submitter. Criteria: ARUP Molecular Germline Variant Investigation Process 2024. Collection method: clinical testing. Allele origin: germline.

Athena Diagnostics
Classification: Benign. Last evaluated: 2024-06-06. Review status: criteria provided, single submitter. Criteria: Athena Diagnostics Criteria. Collection method: clinical testing. Allele origin: unknown.

Fulgent Genetics
Classification: Benign for Lethal Kniest-like syndrome; Schwartz-Jampel syndrome type 1. Last evaluated: 2022-04-05. Review status: criteria provided, single submitter. Criteria: ACMG Guidelines, 2015. Collection method: clinical testing. Allele origin: unknown.

Genome Diagnostics Laboratory, The Hospital for Sick Children
Classification: Benign for Connective tissue disorder. Last evaluated: 2019-07-01. Review status: criteria provided, single submitter. Criteria: ACMG Guidelines, 2015. Collection method: clinical testing. Allele origin: germline.

GeneDx
Classification: Benign. Last evaluated: 2018-09-01. Review status: criteria provided, single submitter. Criteria: GeneDx Variant Classification Process June 2021. Collection method: clinical testing. Allele origin: germline. Affected: yes.

Illumina Laboratory Services, Illumina
Classification: Benign for Lethal Kniest-like syndrome. Last evaluated: 2018-01-13. Review status: criteria provided, single submitter. Criteria: ICSL Variant Classification Criteria 13 December 2019. Collection method: clinical testing. Allele origin: germline.
Comment: This variant was observed in the ICSL laboratory as part of a predisposition screen in an ostensibly healthy population. It had not been previously curated by ICSL or reported in the Human Gene Mutation Database (HGMD: prior to June 1st, 2018), and was therefore a candidate for classification through an automated scoring system. Utilizing variant allele frequency, disease prevalence and penetrance estimates, and inheritance mode, an automated score was calculated to assess if this variant is too frequent to cause the disease. Based on the score and internal cut-off values, a variant classified as benign is not then subjected to further curation. The score for this variant resulted in a classification of benign for this disease.

Illumina Laboratory Services, Illumina
Classification: Benign for Schwartz-Jampel syndrome type 1. Last evaluated: 2018-01-13. Review status: criteria provided, single submitter. Criteria: ICSL Variant Classification Criteria 13 December 2019. Collection method: clinical testing. Allele origin: germline.
Comment: the same text as in the submission from Illumina Laboratory Services, Illumina above.

Center for Pediatric Genomic Medicine, Children's Mercy Hospital and Clinics
Classification: Benign. Last evaluated: 2015-10-28. Review status: criteria provided, single submitter. Criteria: ACMG Guidelines, 2015. Collection method: clinical testing. Allele origin: germline.

Breakthrough Genomics
Classification: Benign. Review status: criteria provided, single submitter. Criteria: ACMG Guidelines, 2015. Collection method: not provided. Allele origin: germline. Inheritance: Autosomal recessive inheritance. Affected: yes.